The following is an entry in ClinVar:

ClinVar aggregate classification (germline): Pathogenic (1 of 4 stars; one submission).

Conditions:
Hereditary cancer-predisposing syndrome. Also called: Neoplastic Syndromes, Hereditary; Tumor predisposition; Hereditary Cancer Syndrome; Hereditary neoplastic syndrome. Identifiers: Orphanet 140162, MedGen C0027672, MeSH D009386, MONDO:0015356.

Submission:

Ambry Genetics
Classification: Pathogenic for Hereditary cancer-predisposing syndrome. Last evaluated: 2018-02-21. Review status: criteria provided, single submitter. Criteria: Ambry Variant Classification Scheme 2023. Collection method: clinical testing. Allele origin: germline.
Comment: The c.1061delG pathogenic mutation, located in coding exon 4 of the MSH6 gene, results from a deletion of one nucleotide at nucleotide position 1061, causing a translational frameshift with a predicted alternate stop codon (p.G354Efs*17). This alteration is expected to result in loss of function by premature protein truncation or nonsense-mediated mRNA decay. As such, this alteration is interpreted as a disease-causing mutation.

NM_000179.3(MSH6):c.1061del (p.Gly354fs)

Gene: MSH6 (mutS homolog 6; plus strand). Cytogenetic location: 2p16.3.
Variant type: Deletion.
Coding change: c.1061del on transcript NM_000179.3 (MANE Select); coding-DNA position 1061, one base deleted (G; older notation c.1061delG).
Protein change: p.Gly354fs; shifts the reading frame from glycine 354.
Molecular consequence: frameshift variant.
Genome position (GRCh38, 1-based): chr2:47,799,044, G deleted; the last of 2 consecutive G bases (chr2:47,799,043-47,799,044); deleting either gives the same sequence. VCF-style (leftmost placement, unchanged base first): chr2-47799042-TG-T. GRCh37 (hg19) VCF-style: chr2-48026181-TG-T.
Other names: c.671del, p.Gly224fs (NM_001281492.2); c.155del, p.Gly52fs (NM_001281493.2, NM_001281494.2); c.1157delG, p.Gly386Glufs (NM_001406795.1, NM_001406802.1); c.1061delG, p.Gly354Glufs (NM_001406796.1, NM_001406798.1, NM_001406800.1 and 4 more transcripts); c.764delG, p.Gly255Glufs (NM_001406797.1, NM_001406801.1, NM_001406805.1 and 10 more transcripts); c.536delG, p.Gly179Glufs (NM_001406799.1, NM_001406806.1, NM_001406807.1); c.983delG, p.Gly328Glufs (NM_001406804.1); c.155delG, p.Gly52Glufs (NM_001406811.1, NM_001406812.1, NM_001406814.1 and 4 more transcripts); and 2 more; short protein forms G354fs, G224fs, G52fs.
Identifiers: ClinVar variation 1780411 (VCV001780411.2), dbSNP rs2104316983, ClinGen allele CA2580067304.